The following is an entry in ClinVar:

ClinVar aggregate classification (germline): Uncertain significance (1 of 4 stars; one submission).

Conditions:
Renal cell carcinoma. Identifiers: Orphanet 217071, MedGen C0007134, MeSH D002292, MONDO:0005086, HP:0005584.

Submission:

Labcorp Genetics (formerly Invitae), Labcorp
Classification: Uncertain significance for Renal cell carcinoma. Last evaluated: 2023-03-16. Review status: criteria provided, single submitter. Criteria: Invitae Variant Classification Sherloc (09022015). Collection method: clinical testing. Allele origin: germline.
Comment: In summary, the available evidence is currently insufficient to determine the role of this variant in disease. Therefore, it has been classified as a Variant of Uncertain Significance. Advanced modeling of protein sequence and biophysical properties (such as structural, functional, and spatial information, amino acid conservation, physicochemical variation, residue mobility, and thermodynamic stability) performed at Invitae indicates that this missense variant is not expected to disrupt MET protein function. ClinVar contains an entry for this variant (Variation ID: 2107429). This variant has not been reported in the literature in individuals affected with MET-related conditions. This variant is not present in population databases (gnomAD no frequency). This sequence change replaces lysine, which is basic and polar, with arginine, which is basic and polar, at codon 1341 of the MET protein (p.Lys1341Arg).

NM_000245.4(MET):c.3968A>G (p.Lys1323Arg)

Gene: MET (MET proto-oncogene, receptor tyrosine kinase; plus strand). Cytogenetic location: 7q31.2.
Variant type: single nucleotide variant.
Coding change: c.3968A>G on transcript NM_000245.4 (MANE Select); coding-DNA position 3968, A replaced by G.
Protein change: p.Lys1323Arg; replaces lysine 1323 with arginine.
Molecular consequence: missense variant.
Genome position (GRCh38, 1-based): chr7:116,795,919, A>G. VCF-style: chr7-116795919-A-G. GRCh37 (hg19) VCF-style: chr7-116435973-A-G.
Other names: c.4022A>G, p.Lys1341Arg (NM_001127500.3); c.2678A>G, p.Lys893Arg (NM_001324402.2); short protein forms K1323R, K893R, K1341R.
Identifiers: ClinVar variation 2107429 (VCV002107429.4), dbSNP rs2117110873, ClinGen allele CA369118118.
Genomic context (GRCh38, chr7:116,795,919, plus strand): 5'-TTACAGCATGTCTTTCTTTTTGGAACAGATATGAAGTAATGCTAAAATGCTGGCACCCTA[A>G]AGCCGAAATGCGCCCATCCTTTTCTGAACTGGTGTCCCGGATATCAGCGATCTTCTCTAC-3'
Protein context (NP_000236.2, residues 1313-1333): YEVMLKCWHP[Lys1323Arg]AEMRPSFSEL